The following is an entry in ClinVar:

ClinVar aggregate classification (germline): Benign (0 of 4 stars; one submission).

Conditions:
GPNMB-related disorder. Also called: GPNMB-related condition.

Allele frequency attached by ClinVar (database versions not stated): ESP Exome Variant Server 0.03575; TOPMed 0.03795; gnomAD 0.04311; 1000 Genomes Project 0.04792.
gnomAD v4.1: 54,543 of 1,613,802 alleles (3.4%); highest among the groups gnomAD compares: South Asian, 9.9%; 1,543 homozygotes.

Submission:

PreventionGenetics, part of Exact Sciences
Classification: Benign for GPNMB-related condition. Last evaluated: 2019-02-28. Review status: no assertion criteria provided. Collection method: clinical testing. Allele origin: germline.
Comment: This variant is classified as benign based on ACMG/AMP sequence variant interpretation guidelines (Richards et al. 2015 PMID: 25741868, with internal and published modifications).

NM_002510.3(GPNMB):c.429C>T (p.Asp143=)

Gene: GPNMB (glycoprotein nmb; plus strand). Cytogenetic location: 7p15.3.
Variant type: single nucleotide variant.
Coding change: c.429C>T on transcript NM_002510.3 (MANE Select); coding-DNA position 429, C replaced by T.
Protein change: p.Asp143=; no amino-acid change (aspartic acid 143 retained).
Molecular consequence: synonymous variant.
Genome position (GRCh38, 1-based): chr7:23,256,953, C>T. VCF-style: chr7-23256953-C-T. GRCh37 (hg19) VCF-style: chr7-23296572-C-T.
Other names: c.429C>T, p.Asp143= (NM_001005340.2).
Identifiers: ClinVar variation 3055318 (VCV003055318.2), dbSNP rs199354, ClinGen allele CA4187381.